The following is an entry in ClinVar:

NM_001401501.2(MUC16):c.42905C>T (p.Ala14302Val)

Gene: MUC16 (mucin 16, cell surface associated; minus strand). Cytogenetic location: 19p13.2.
Variant type: single nucleotide variant.
Coding change: c.42905C>T on transcript NM_001401501.2 (MANE Select); coding-DNA position 42905, C replaced by T.
Protein change: p.Ala14302Val; replaces alanine 14302 with valine.
Molecular consequence: missense variant.
Genome position (GRCh38, 1-based): chr19:8,891,193, G>A on the plus strand (C>T on the coding strand, the complement: MUC16 is on the minus strand). VCF-style: chr19-8891193-G-A. GRCh37 (hg19) VCF-style: chr19-9001869-G-A.
Other names: NC_000019.9:g.9001869G>A; c.43331C>T, p.Ala14444Val (NM_001414686.1); c.42785C>T, p.Ala14262Val (NM_001414687.1); c.40379C>T, p.Ala13460Val (NM_024690.2); short protein forms A13460V, A14262V, A14302V, A14444V.
Identifiers: ClinVar variation 3049972 (VCV003049972.3), dbSNP rs73493671, ClinGen allele CA9163395.

ClinVar aggregate classification (germline): Benign (0 of 4 stars; one submission).

Conditions:
MUC16-related disorder. Also called: MUC16-related condition.

Allele frequency attached by ClinVar (database versions not stated): ExAC 0.00313; ESP Exome Variant Server 0.00929; 1000 Genomes Project 0.01258; 1000 Genomes Project 30x 0.01312.

Submissions (2):

PreventionGenetics, part of Exact Sciences
Classification: Benign for MUC16-related condition. Last evaluated: 2019-03-14. Review status: no assertion criteria provided. Collection method: clinical testing. Allele origin: germline.
Comment: This variant is classified as benign based on ACMG/AMP sequence variant interpretation guidelines (Richards et al. 2015 PMID: 25741868, with internal and published modifications).

Dr. Peter K. Rogan Lab, Western University
No classification provided (evidence only). Condition: Lung cancer. Review status: no classification provided. Collection method: in vitro. Allele origin: not applicable. Functional consequence: retained intron. Not counted in ClinVar's aggregate classification.